The following is an entry in ClinVar:

NM_001291415.2(KDM6A):c.9C>T (p.Ser3=)

Gene: KDM6A (lysine demethylase 6A; plus strand). Cytogenetic location: Xp11.3.
Variant type: single nucleotide variant.
Coding change: c.9C>T on transcript NM_001291415.2 (MANE Select); coding-DNA position 9, C replaced by T.
Protein change: p.Ser3=; no amino-acid change (serine 3 retained).
Molecular consequence: synonymous variant. On other transcripts: 5 prime UTR variant (1), non-coding transcript variant (1).
Genome position (GRCh38, 1-based): chrX:44,873,560, C>T. VCF-style: chrX-44873560-C-T. GRCh37 (hg19) VCF-style: chrX-44732806-C-T.
Other names: c.9C>T, p.Ser3= (NM_001291416.2, NM_001291417.2, NM_001291418.2 and 2 more transcripts); c.-624C>T (NM_001291421.2).
Identifiers: ClinVar variation 2446216 (VCV002446216.1), dbSNP rs1359983262, ClinGen allele CA516176717.

ClinVar aggregate classification (germline): Uncertain significance (1 of 4 stars; one submission).

gnomAD v4.1: 1 of 1,209,484 alleles (0.000083%); no homozygotes.

Submission:

GeneDx
Classification: Uncertain significance. Last evaluated: 2022-09-21. Review status: criteria provided, single submitter. Criteria: GeneDx Variant Classification Process June 2021. Collection method: clinical testing. Allele origin: germline. Affected: yes.
Comment: In silico analysis supports that this variant does not alter splicing; Has not been previously published as pathogenic or benign to our knowledge